The following is an entry in ClinVar:

ClinVar aggregate classification (germline): Likely pathogenic (1 of 4 stars; one submission).

Conditions:
Medium-chain acyl-coenzyme A dehydrogenase deficiency (ACADMD). Also called: ACADM DEFICIENCY; CARNITINE DEFICIENCY SECONDARY TO MEDIUM-CHAIN ACYL-CoA DEHYDROGENASE DEFICIENCY; MCADH DEFICIENCY; MCADD; Medium chain acyl-CoA dehydrogenase deficiency; MCAD Deficiency. Identifiers: Orphanet 42, MedGen C0220710, MONDO:0008721, OMIM 201450.

Submission:

Diagnosis and Treatment Center for Children, The Affiliated Hospital of Changchun University of Chinese Medicine
Classification: Likely pathogenic for Medium-chain acyl-coenzyme A dehydrogenase deficiency. Last evaluated: 2024-08-23. Review status: criteria provided, single submitter. Criteria: ACMG Guidelines, 2015. Collection method: clinical testing. Allele origin: germline. Inheritance: Autosomal recessive inheritance. Affected: yes. Observed: 1 variant allele, 1 heterozygote.
Comment: This novel heterozygous deletion encompassing exons 11 and 12 of the ACADM gene disrupts the C-terminal dimerization domain. It is classified as Likely Pathogenic based on ACMG criteria (PVS1 + PM2).

GRCh37/hg19 1p31.1(chr1:76226726-76228514)x1

Gene: ACADM (acyl-CoA dehydrogenase medium chain; plus strand). Cytogenetic location: 1p31.1.
Variant type: copy number loss.
Change: copy number 1 (one copy instead of two) of chr1:76,226,726-76,228,514 (1.8 kb, GRCh37 coordinates, 1-based), cytogenetic band 1p31.1.
Identifiers: ClinVar variation 4856391 (VCV004856391.1).